The following is an entry in ClinVar:

NM_001267550.2(TTN):c.52233_52237del (p.Lys17413fs)

Genes: TTN (titin; minus strand), TTN-AS1 (TTN antisense RNA 1; plus strand). Cytogenetic location: 2q31.2.
Variant type: Microsatellite.
Coding change: c.52233_52237del on transcript NM_001267550.2 (MANE Select); coding-DNA positions 52233 to 52237, 5 bases deleted (GACAA; older notation c.52233_52237delGACAA).
Protein change: p.Lys17413fs; shifts the reading frame from lysine 17413.
Molecular consequence: frameshift variant.
Genome position (GRCh38, 1-based): chr2:178,608,774-178,608,778, TTGTC deleted on the plus strand (GACAA on the coding strand, the reverse complement: TTN is on the minus strand); deleting any 5 consecutive bases within chr2:178,608,774-178,608,785 gives the same sequence; the c. name uses the placement nearest the transcript's 3' end. VCF-style (leftmost placement, unchanged base first): chr2-178608773-TTTGTC-T. GRCh37 (hg19) VCF-style: chr2-179473500-TTTGTC-T.
Other names: c.47310_47314del, p.Lys15772fs (NM_001256850.1); c.25038_25042del, p.Lys8348fs (NM_003319.4); c.44529_44533del, p.Lys14845fs (NM_133378.4); c.25413_25417del, p.Lys8473fs (NM_133432.3); c.25614_25618del, p.Lys8540fs (NM_133437.4); c.44529_44533delGACAA (NM_133378.4); short protein forms K8348fs, K8473fs, K8540fs, K17413fs, K14845fs, K15772fs.
Identifiers: ClinVar variation 970757 (VCV000970757.10), dbSNP rs2055544893, ClinGen allele CA1310547110.

ClinVar aggregate classification (germline): Likely pathogenic. Review status: criteria provided, multiple submitters, no conflicts (2 of 4 stars). 3 submissions from 3 submitters: Likely pathogenic (3). Last evaluated 2025-07-09.

Conditions:
Primary familial dilated cardiomyopathy (FDC). Also called: Hypokinetic dilated cardiomyopathy, familial; Familial dilated cardiomyopathy. Identifiers: Orphanet 217607, MedGen C0340427, MONDO:0016333.
TTN-related disorder. Also called: TTN-related disorders; TTN-related condition; TTN-related disease.
Autosomal recessive limb-girdle muscular dystrophy type 2J (LGMDR10). Also called: MUSCULAR DYSTROPHY, LIMB-GIRDLE, AUTOSOMAL RECESSIVE 10; Limb-girdle muscular dystrophy, type 2J. Identifiers: Orphanet 140922, MedGen C1837342, MONDO:0012127, OMIM 608807.
Dilated cardiomyopathy 1G (CMD1G). Identifiers: Orphanet 154, MedGen C1858763, MONDO:0011400, OMIM 604145.

Submissions (3):

Labcorp Genetics (formerly Invitae), Labcorp
Classification: Likely pathogenic for Dilated cardiomyopathy 1G; Autosomal recessive limb-girdle muscular dystrophy type 2J. Last evaluated: 2025-07-09. Review status: criteria provided, single submitter. Criteria: Invitae Variant Classification Sherloc (09022015). Collection method: clinical testing. Allele origin: germline.
Comment: This sequence change creates a premature translational stop signal (p.Lys17413Argfs*12) in the TTN gene. While this is not anticipated to result in nonsense mediated decay, it is expected to create a truncated TTN protein. This variant is not present in population databases (gnomAD no frequency). This variant has not been reported in the literature in individuals affected with TTN-related conditions. ClinVar contains an entry for this variant (Variation ID: 970757). This variant is located in the A band of TTN (PMID: 25589632). Truncating variants in this region are significantly overrepresented in patients affected with dilated cardiomyopathy (PMID: 25589632). Truncating variants in this region have also been reported in individuals affected with autosomal recessive centronuclear myopathy (PMID: 23975875). In summary, the currently available evidence indicates that the variant is pathogenic, but additional data are needed to prove that conclusively. Therefore, this variant has been classified as Likely Pathogenic.

Women's Health and Genetics/Laboratory Corporation of America, LabCorp
Classification: Likely pathogenic for Primary familial dilated cardiomyopathy. Last evaluated: 2023-09-18. Review status: criteria provided, single submitter. Criteria: LabCorp Variant Classification Summary - May 2015. Collection method: clinical testing. Allele origin: germline.
Comment: Variant summary: TTN c.44529_44533delGACAA (p.Lys14845ArgfsX12) results in a premature termination codon, predicted to cause a truncation of the encoded protein or absence of the protein due to nonsense mediated decay, which are commonly known mechanisms for disease. Nonsense, frameshift, and canonical splice-site variants in TTN are strongly associated with DCM when they affect exons encoding for the A-band region (PMIDs: 22335739, 24503780) and/or exons constitutively expressed (proportion spliced in [PSI]>0.9) in the primary cardiac isoforms (PMIDs: 25589632, 31216868, 32964742, 27869827), which is the case forthis variant (A-band with a PSI score of 100%). The variant was absent in 248220 control chromosomes (gnomAD). c.44529_44533delGACAA has been reported in the literature in at least one individual affected with Dilated Cardiomyopathy (Akhtar_2020). These data do not allow any conclusion about variant significance. To our knowledge, no experimental evidence demonstrating an impact on protein function has been reported. The following publication has been ascertained in the context of this evaluation (PMID: 32964742). One ClinVar submitter has assessed the variant since 2014, and classified the variant as likely pathogenic. Based on the evidence outlined above, the variant was classified as likely pathogenic.

Blueprint Genetics
Classification: Likely pathogenic for TTN-related disorders. Last evaluated: 2020-07-29. Review status: criteria provided, single submitter. Criteria: ACMG Guidelines, 2015. Collection method: clinical testing. Allele origin: germline. Affected: yes. Observed: 2 variant alleles.

Literature cited by the submitters: PubMed 25589632 (cited by Labcorp Genetics (formerly Invitae), Labcorp); PubMed 23975875 (cited by Labcorp Genetics (formerly Invitae), Labcorp); PubMed 32964742 (cited by Women's Health and Genetics/Laboratory Corporation of America, LabCorp).